The following is an entry in ClinVar:

ClinVar aggregate classification (germline): Conflicting classifications of pathogenicity. Review status: criteria provided, conflicting classifications (1 of 4 stars). 2 submissions from 2 submitters: Likely pathogenic (1); Uncertain significance (1). Last evaluated 2026-05-15.

Conditions:
Inborn genetic diseases. Identifiers: MedGen C0950123, MeSH D030342.

Submissions (2):

Ambry Genetics
Classification: Uncertain significance for Inborn genetic diseases. Last evaluated: 2026-05-15. Review status: criteria provided, single submitter. Criteria: Ambry Variant Classification Scheme 2023. Collection method: clinical testing. Allele origin: germline.
Comment: The c.1230+2T>G intronic variant results from a T to G substitution two nucleotides after coding exon 11 in the DDX41 gene. In silico splice site analysis predicts that this alteration will weaken the native splice donor site and may result in the creation or strengthening of a novel splice donor site; however, direct evidence is insufficient at this time (Ambry internal data). This nucleotide position is highly conserved in available vertebrate species. Based on the available evidence, the clinical significance of this variant remains unclear.

GeneDx
Classification: Likely pathogenic. Last evaluated: 2025-02-05. Review status: criteria provided, single submitter. Criteria: GeneDx Variant Classification Process June 2021. Collection method: clinical testing. Allele origin: germline. Affected: yes.
Comment: Canonical splice site variant predicted to result in an in-frame loss of the adjacent exon in a gene for which loss of function is a known mechanism of disease; Not observed at significant frequency in large population cohorts (gnomAD); Has not been previously published as pathogenic or benign to our knowledge; This variant is associated with the following publications: (PMID: 27721487)

NM_016222.4(DDX41):c.1230+2T>G

Gene: DDX41 (DEAD-box helicase 41; minus strand). Cytogenetic location: 5q35.3.
Variant type: single nucleotide variant.
Coding change: c.1230+2T>G on transcript NM_016222.4 (MANE Select); the canonical splice donor site of the intron after coding-DNA position 1230, T replaced by G.
Molecular consequence: splice donor variant.
Genome position (GRCh38, 1-based): chr5:177,513,351, A>C on the plus strand (T>G on the coding strand, the complement: DDX41 is on the minus strand). VCF-style: chr5-177513351-A-C. GRCh37 (hg19) VCF-style: chr5-176940352-A-C.
Other names: c.852+2T>G (NM_001321830.2, NM_001321732.2); c.1230+2T>G (NM_016222.2).
Identifiers: ClinVar variation 4074405 (VCV004074405.2).